The following is an entry in ClinVar:

NM_000492.4(CFTR):c.2052A>T (p.Lys684Asn)

Gene: CFTR (CF transmembrane conductance regulator; plus strand). Cytogenetic location: 7q31.2.
Variant type: single nucleotide variant.
Coding change: c.2052A>T on transcript NM_000492.4 (MANE Select); coding-DNA position 2052, A replaced by T.
Protein change: p.Lys684Asn; replaces lysine 684 with asparagine.
Molecular consequence: missense variant.
Genome position (GRCh38, 1-based): chr7:117,592,219, A>T. VCF-style: chr7-117592219-A-T. GRCh37 (hg19) VCF-style: chr7-117232273-A-T.
Other names: short protein forms K684N.
Identifiers: ClinVar variation 863914 (VCV000863914.7), dbSNP rs750642366, ClinGen allele CA368979447.

ClinVar aggregate classification (germline): Uncertain significance (1 of 4 stars; one submission).

Conditions:
Cystic fibrosis (CF). Also called: MUCOVISCIDOSIS. Identifiers: Orphanet 586, MedGen C0010674, MONDO:0009061, OMIM 219700. Disease mechanism: loss of function.

gnomAD v4.1: 2 of 1,613,888 alleles (0.00012%); highest among the groups gnomAD compares: Non-Finnish European, 0.00017%; no homozygotes.

Submission:

Labcorp Genetics (formerly Invitae), Labcorp
Classification: Uncertain significance for Cystic fibrosis. Last evaluated: 2021-09-02. Review status: criteria provided, single submitter. Criteria: Invitae Variant Classification Sherloc (09022015). Collection method: clinical testing. Allele origin: germline.
Comment: This sequence change replaces lysine with asparagine at codon 684 of the CFTR protein (p.Lys684Asn). The lysine residue is weakly conserved and there is a moderate physicochemical difference between lysine and asparagine. This variant is not present in population databases (ExAC no frequency). This variant has not been reported in the literature in individuals affected with CFTR-related conditions. Algorithms developed to predict the effect of missense changes on protein structure and function (SIFT, PolyPhen-2, Align-GVGD) all suggest that this variant is likely to be tolerated. In summary, the available evidence is currently insufficient to determine the role of this variant in disease. Therefore, it has been classified as a Variant of Uncertain Significance.